The following is an entry in ClinVar:

NM_000219.6(KCNE1):c.11C>G (p.Ser4Cys)

Gene: KCNE1 (potassium voltage-gated channel subfamily E regulatory subunit 1; minus strand). Cytogenetic location: 21q22.12.
Variant type: single nucleotide variant.
Coding change: c.11C>G on transcript NM_000219.6 (MANE Select); coding-DNA position 11, C replaced by G.
Protein change: p.Ser4Cys; replaces serine 4 with cysteine.
Molecular consequence: missense variant.
Genome position (GRCh38, 1-based): chr21:34,449,624, G>C on the plus strand (C>G on the coding strand, the complement: KCNE1 is on the minus strand). VCF-style: chr21-34449624-G-C. GRCh37 (hg19) VCF-style: chr21-35821922-G-C.
Other names: c.11C>G, p.Ser4Cys (NM_001127668.4, NM_001127669.4, NM_001127670.4 and 4 more transcripts); short protein forms S4C.
Identifiers: ClinVar variation 3374072 (VCV003374072.2).

Conditions:
Long QT syndrome 5 (LQT5). Identifiers: Orphanet 101016, Orphanet 768, MedGen C1867904, MONDO:0013372, OMIM 613695.

Submission:

Roden Lab, Vanderbilt University Medical Center
No classification provided (evidence only). Condition: Long QT syndrome 5. Review status: no classification provided. Collection method: in vitro. Allele origin: not applicable. Functional consequence: Effect on ion channel function.
ClinVar note: "not provided" was previously submitted as the classification for the variant. However, the classification appeared to be based only on an observation of functional data so it was converted to no classification on 2025-07-30.